The following is an entry in ClinVar:

NM_001035235.4(SRA1):c.32A>C (p.Lys11Thr)

Gene: SRA1 (steroid receptor RNA activator 1; minus strand). Cytogenetic location: 5q31.3.
Variant type: single nucleotide variant.
Coding change: c.32A>C on transcript NM_001035235.4 (MANE Select); coding-DNA position 32, A replaced by C.
Protein change: p.Lys11Thr; replaces lysine 11 with threonine.
Molecular consequence: missense variant. On other transcripts: synonymous variant (1), non-coding transcript variant (2).
Genome position (GRCh38, 1-based): chr5:140,557,266, T>G on the plus strand (A>C on the coding strand, the complement: SRA1 is on the minus strand). VCF-style: chr5-140557266-T-G. GRCh37 (hg19) VCF-style: chr5-139936851-T-G.
Other names: c.187A>C, p.Arg63= (NM_001253764.2); short protein forms K11T.
Identifiers: ClinVar variation 4811579 (VCV004811579.1).
Genomic context (GRCh38, chr5:140,557,266, plus strand): 5'-CCGCCGGCCTGGGTCTGCAGCCCGTATGAGAACTGCGGCGGGTCGTTCCAGCCGCGTTCC[T>G]TGTTGCCTGCGGAGGCGAGGGATGTGTGAAGCGAGCCCGGAACTCCACTGTTAGCTTATA-3'
Protein context (NP_001030312.3, residues 1-21): MAELYVKPGN[Lys11Thr]ERGWNDPPQF

ClinVar aggregate classification (germline): Uncertain significance (1 of 4 stars; one submission).

Submission:

Labcorp Genetics (formerly Invitae), Labcorp
Classification: Uncertain significance. Last evaluated: 2025-10-14. Review status: criteria provided, single submitter. Criteria: Invitae Variant Classification Sherloc (09022015). Collection method: clinical testing. Allele origin: germline.
Comment: This sequence change replaces lysine, which is basic and polar, with threonine, which is neutral and polar, at codon 23 of the SRA1 protein (p.Lys23Thr). This variant is present in population databases (rs376490259, gnomAD 0.006%). This variant has not been reported in the literature in individuals affected with SRA1-related conditions. An algorithm developed to predict the effect of missense changes on protein structure and function (PolyPhen-2) suggests that this variant is likely to be tolerated. In summary, the available evidence is currently insufficient to determine the role of this variant in disease. Therefore, it has been classified as a Variant of Uncertain Significance.